The following is an entry in ClinVar:

ClinVar aggregate classification (germline): Conflicting classifications of pathogenicity. Review status: criteria provided, conflicting classifications (1 of 4 stars). 6 submissions from 6 submitters: Uncertain significance (3); Likely benign (2). 1 of the submissions does not count toward it. Last evaluated 2025-03-25.

Conditions:
PKHD1-related disorder. Also called: PKHD1-related condition.
Polycystic kidney disease 4 (PKD4). Also called: Autosomal Recessive Polycystic Kidney Disease – PKHD1; POLYCYSTIC KIDNEY AND HEPATIC DISEASE 1; POLYCYSTIC KIDNEY DISEASE, INFANTILE, TYPE I; POLYCYSTIC KIDNEY DISEASE 4 WITH OR WITHOUT POLYCYSTIC LIVER DISEASE; PKD3. Identifiers: MedGen C4540575, MONDO:0033004, OMIM 263200.
Autosomal recessive polycystic kidney disease (ARPKD). Also called: AR polycystic kidney disease. Identifiers: Orphanet 731, Orphanet 8378, MedGen C0085548, MeSH D017044, MONDO:0009889.

Allele frequency attached by ClinVar (database versions not stated): gnomAD exomes 0.00008; ExAC 0.00013; gnomAD 0.00019 and 0.00023; TOPMed 0.00022; ESP Exome Variant Server 0.00046; 1000 Genomes Project 30x 0.00047; 1000 Genomes Project 0.00060.
gnomAD v4.1: 77 of 1,590,508 alleles (0.0048%); highest among the groups gnomAD compares: African/African-American, 0.081%; 1 homozygote.

Submissions (6):

PreventionGenetics, part of Exact Sciences
Classification: Likely benign for PKHD1-related condition. Last evaluated: 2025-03-25. Review status: criteria provided, single submitter. Criteria: ACMG Guidelines, 2015. Collection method: clinical testing. Allele origin: germline.
Comment: This variant is classified as likely benign based on ACMG/AMP sequence variant interpretation guidelines (Richards et al. 2015 PMID: 25741868, with internal and published modifications).

GeneDx
Classification: Uncertain significance. Last evaluated: 2024-09-05. Review status: criteria provided, single submitter. Criteria: GeneDx Variant Classification Process June 2021. Collection method: clinical testing. Allele origin: germline.
Comment: In silico analysis indicates that this missense variant does not alter protein structure/function; Has not been previously published as pathogenic or benign to our knowledge

Labcorp Genetics (formerly Invitae), Labcorp
Classification: Uncertain significance for Autosomal recessive polycystic kidney disease. Last evaluated: 2024-03-20. Review status: criteria provided, single submitter. Criteria: Invitae Variant Classification Sherloc (09022015). Collection method: clinical testing. Allele origin: germline.
Comment: This sequence change replaces alanine, which is neutral and non-polar, with valine, which is neutral and non-polar, at codon 2579 of the PKHD1 protein (p.Ala2579Val). This variant is present in population databases (rs78361537, gnomAD 0.08%). This variant has not been reported in the literature in individuals affected with PKHD1-related conditions. ClinVar contains an entry for this variant (Variation ID: 528298). Algorithms developed to predict the effect of missense changes on protein structure and function output the following: SIFT: "Not Available"; PolyPhen-2: "Benign"; Align-GVGD: "Not Available". The valine amino acid residue is found in multiple mammalian species, which suggests that this missense change does not adversely affect protein function. In summary, the available evidence is currently insufficient to determine the role of this variant in disease. Therefore, it has been classified as a Variant of Uncertain Significance.

Fulgent Genetics
Classification: Likely benign for Polycystic kidney disease 4. Last evaluated: 2024-03-05. Review status: criteria provided, single submitter. Criteria: ACMG Guidelines, 2015. Collection method: clinical testing. Allele origin: germline.

Eurofins Ntd Llc (ga)
Classification: Uncertain significance. Last evaluated: 2018-02-06. Review status: criteria provided, single submitter. Criteria: EGL Classification Definitions 2015. Collection method: clinical testing. Allele origin: germline. Observed: 1 variant allele, 1 heterozygote.

Natera, Inc.
Classification: Uncertain significance for Autosomal recessive polycystic kidney disease. Last evaluated: 2017-05-06. Review status: no assertion criteria provided. Collection method: clinical testing. Allele origin: germline. Not counted in ClinVar's aggregate classification.

NM_138694.4(PKHD1):c.7736C>T (p.Ala2579Val)

Gene: PKHD1 (PKHD1 ciliary IPT domain containing fibrocystin/polyductin; minus strand). Cytogenetic location: 6p12.2.
Variant type: single nucleotide variant.
Coding change: c.7736C>T on transcript NM_138694.4 (MANE Select); coding-DNA position 7736, C replaced by T.
Protein change: p.Ala2579Val; replaces alanine 2579 with valine.
Molecular consequence: missense variant.
Genome position (GRCh38, 1-based): chr6:51,856,068, G>A on the plus strand (C>T on the coding strand, the complement: PKHD1 is on the minus strand). VCF-style: chr6-51856068-G-A. GRCh37 (hg19) VCF-style: chr6-51720866-G-A.
Other names: c.7736C>T, p.Ala2579Val (NM_170724.3); short protein forms A2579V.
Identifiers: ClinVar variation 528298 (VCV000528298.18), dbSNP rs78361537, ClinGen allele CA3851845.